The following is an entry in ClinVar:

ClinVar aggregate classification (germline): Uncertain significance. Review status: criteria provided, multiple submitters, no conflicts (2 of 4 stars). 2 submissions from 2 submitters: Uncertain significance (2). Last evaluated 2026-08-27.

Conditions:
TTN-related disorder. Also called: TTN-related disorders; TTN-related condition; TTN-related disease.

Allele frequency attached by ClinVar (database versions not stated): gnomAD exomes below 0.00001; TOPMed 0.00001.
gnomAD v4.1: 4 of 1,613,058 alleles (0.00025%); highest among the groups gnomAD compares: Middle Eastern, 0.017%; no homozygotes.

Submissions (2):

GeneDx
Classification: Uncertain significance. Last evaluated: 2026-08-27. Review status: criteria provided, single submitter. Criteria: GeneDx Variant Classification Process June 2021. Collection method: clinical testing. Allele origin: germline.
Comment: Not observed at significant frequency in large population cohorts (gnomAD); Missense variant in a gene in which most reported pathogenic variants are truncating/loss of function; This variant is associated with the following publications: (PMID: 36693943)

PreventionGenetics, part of Exact Sciences
Classification: Uncertain significance for TTN-related condition. Last evaluated: 2026-06-29. Review status: criteria provided, single submitter. Criteria: ACMG Guidelines, 2015. Collection method: clinical testing. Allele origin: germline.
Comment: The TTN c.83945T>C variant is predicted to result in the amino acid substitution p.Ile27982Thr. This variant has been reported as uncertain in a young individual with sudden unexplained death (reported as c.76241T>C, p.Ile25414Thr in transcript NM_133378 in Electronic Supplemental File Table 1, Martinez-Barrios et al. 2023. PubMed ID: 36693943). This variant has not been reported in a large population database (gnomAD), indicating this variant is rare. This variant is interpreted as uncertain in ClinVar (Variation ID: 2573837). At this time, the clinical significance of this variant is uncertain due to the absence of conclusive functional and genetic evidence.

NM_001267550.2(TTN):c.83945T>C (p.Ile27982Thr)

Genes: TTN (titin; minus strand), TTN-AS1 (TTN antisense RNA 1; plus strand). Cytogenetic location: 2q31.2.
Variant type: single nucleotide variant.
Coding change: c.83945T>C on transcript NM_001267550.2 (MANE Select); coding-DNA position 83945, T replaced by C.
Protein change: p.Ile27982Thr; replaces isoleucine 27982 with threonine.
Molecular consequence: missense variant.
Genome position (GRCh38, 1-based): chr2:178,562,187, A>G on the plus strand (T>C on the coding strand, the complement: TTN is on the minus strand). VCF-style: chr2-178562187-A-G. GRCh37 (hg19) VCF-style: chr2-179426914-A-G.
Other names: c.79022T>C, p.Ile26341Thr (NM_001256850.1); c.56750T>C, p.Ile18917Thr (NM_003319.4); c.76241T>C, p.Ile25414Thr (NM_133378.4); c.57125T>C, p.Ile19042Thr (NM_133432.3); c.57326T>C, p.Ile19109Thr (NM_133437.4); short protein forms I18917T, I19042T, I19109T, I25414T, I26341T, I27982T.
Identifiers: ClinVar variation 2573837 (VCV002573837.3), dbSNP rs773976497, ClinGen allele CA60985301.